The following is an entry in ClinVar:

ClinVar aggregate classification (germline): Pathogenic/Likely pathogenic. Review status: criteria provided, multiple submitters, no conflicts (2 of 4 stars). 3 submissions from 3 submitters: Pathogenic (2); Likely pathogenic (1). Last evaluated 2026-04-14.

Conditions:
ABCB11-related disorder. Also called: ABCB11-related condition.
Familial intrahepatic cholestasis. Identifiers: Orphanet 284385, MedGen CN296401, MONDO:0017290.
Progressive familial intrahepatic cholestasis type 2. Identifiers: Orphanet 79304, MedGen C3489789, MONDO:0011156, OMIM 601847.

gnomAD v4.1: 1 of 1,613,866 alleles (0.000062%); highest among the groups gnomAD compares: Non-Finnish European, 0.000085%; no homozygotes.

Submissions (3):

Genomenon, Inc
Classification: Pathogenic for Familial intrahepatic cholestasis. Last evaluated: 2026-04-14. Review status: criteria provided, single submitter. Criteria: Genomenon Sequence Variant Interpretation Standards - Updated. Collection method: curation. Allele origin: germline. Affected: yes.
Comment: ABCB11 p.Trp898Ter (c.2693G>A) is a nonsense variant that introduces a premature stop codon at amino acid position 898, creating a truncated protein that is predicted to undergo nonsense-mediated mRNA decay. This variant has been observed in at least one proband with an ABCB11-related disorder (PMID:35535061). It is absent or not present at a significant frequency in gnomAD. In conclusion, we classify ABCB11 p.Trp898Ter (c.2693G>A) as a pathogenic variant.

PreventionGenetics, part of Exact Sciences
Classification: Pathogenic for ABCB11-related condition. Last evaluated: 2026-02-10. Review status: criteria provided, single submitter. Criteria: ACMG Guidelines, 2015. Collection method: clinical testing. Allele origin: germline.
Comment: The ABCB11 c.2693G>A variant is predicted to result in premature protein termination (p.Trp898*). This variant was reported, along with a second potentially causative variant in the same gene, in an individual with familial progressive intrahepatic cholestasis (Mehta et al. 2022. PubMed ID: 35535061). This variant has not been reported in a large population database (gnomAD), indicating this variant is rare. Nonsense variants in ABCB11 are expected to be pathogenic. This variant is interpreted as pathogenic.

Broad Center for Mendelian Genomics, Broad Institute of MIT and Harvard
Classification: Likely pathogenic for Progressive familial intrahepatic cholestasis type 2. Last evaluated: 2025-01-24. Review status: criteria provided, single submitter. Criteria: ACMG Guidelines, 2015. Collection method: curation. Allele origin: germline. Inheritance: Autosomal recessive inheritance.
Comment: The p.Trp898Ter variant in ABCB11 has been reported in 1 individual with BSEP deficiency (PMID: 35535061), and has been identified in 0.00008% (1/1179862) of European (non-Finnish) chromosomes by the Genome Aggregation Database (gnomAD). Although this variant has been seen in the general population in a heterozygous state, its frequency is low enough to be consistent with a recessive carrier frequency. This nonsense variant leads to a premature termination codon at position 898, which is predicted to lead to a truncated or absent protein. Loss of function of the ABCB11 gene is an established disease mechanism in autosomal recessive BSEP deficiency. In summary, although additional studies are required to fully establish its clinical significance, this variant is likely pathogenic for autosomal recessive BSEP deficiency. ACMG/AMP Criteria applied: PVS1, PM2_supporting (Richards 2015).

Literature cited by the submitters: PubMed 35535061 (cited by Genomenon, Inc).

NM_003742.4(ABCB11):c.2693G>A (p.Trp898Ter)

Genes: ABCB11 (ATP binding cassette subfamily B member 11; minus strand), LOC126806400 (CDK7 strongly-dependent group 2 enhancer GRCh37_chr2:169791870-169793069; plus strand). Cytogenetic location: 2q31.1.
Variant type: single nucleotide variant.
Coding change: c.2693G>A on transcript NM_003742.4 (MANE Select); coding-DNA position 2693, G replaced by A.
Protein change: p.Trp898Ter; replaces tryptophan 898 with a stop codon.
Molecular consequence: nonsense.
Genome position (GRCh38, 1-based): chr2:168,936,351, C>T on the plus strand (G>A on the coding strand, the complement: ABCB11 is on the minus strand). VCF-style: chr2-168936351-C-T. GRCh37 (hg19) VCF-style: chr2-169792861-C-T.
Other names: NM_003742.4:c.2693G>A; c.2693G>A (NM_003742.2); short protein forms W898*.
Identifiers: ClinVar variation 3776847 (VCV003776847.3).